The following is an entry in ClinVar:

ClinVar aggregate classification (germline): Likely benign (1 of 4 stars; one submission).

Submission:

CeGaT Center for Human Genetics Tuebingen
Classification: Likely benign. Last evaluated: 2024-11-01. Review status: criteria provided, single submitter. Criteria: CeGaT Center For Human Genetics Tuebingen Variant Classification Criteria Version 2. Collection method: clinical testing. Allele origin: germline. Affected: yes. Observed: 1 variant allele.
Comment: PRF1: PM2:Supporting, BP4, BP7

NM_001083116.3(PRF1):c.117T>C (p.Pro39=)

Gene: PRF1 (perforin 1; minus strand). Cytogenetic location: 10q22.1.
Variant type: single nucleotide variant.
Coding change: c.117T>C on transcript NM_001083116.3 (MANE Select); coding-DNA position 117, T replaced by C.
Protein change: p.Pro39=; no amino-acid change (proline 39 retained).
Molecular consequence: synonymous variant.
Genome position (GRCh38, 1-based): chr10:70,600,786, A>G on the plus strand (T>C on the coding strand, the complement: PRF1 is on the minus strand). VCF-style: chr10-70600786-A-G. GRCh37 (hg19) VCF-style: chr10-72360542-A-G.
Other names: c.117T>C, p.Pro39= (NM_005041.6).
Identifiers: ClinVar variation 3390219 (VCV003390219.14).